The following is an entry in ClinVar:

ClinVar aggregate classification (germline): Uncertain significance (1 of 4 stars; one submission).

Allele frequency attached by ClinVar (database versions not stated): ESP Exome Variant Server 0.00015; ExAC 0.00002; gnomAD exomes 0.00003; gnomAD 0.00003; TOPMed 0.00007.
gnomAD v4.1: 19 of 1,613,772 alleles (0.0012%); highest among the groups gnomAD compares: African/African-American, 0.0093%; no homozygotes.

Submission:

Labcorp Genetics (formerly Invitae), Labcorp
Classification: Uncertain significance. Last evaluated: 2022-07-12. Review status: criteria provided, single submitter. Criteria: Invitae Variant Classification Sherloc (09022015). Collection method: clinical testing. Allele origin: germline.
Comment: This sequence change replaces asparagine, which is neutral and polar, with serine, which is neutral and polar, at codon 909 of the ADAMTS18 protein (p.Asn909Ser). This variant is present in population databases (rs368386469, gnomAD 0.02%). This variant has not been reported in the literature in individuals affected with ADAMTS18-related conditions. ClinVar contains an entry for this variant (Variation ID: 1384469). Algorithms developed to predict the effect of missense changes on protein structure and function output the following: SIFT: "Not Available"; PolyPhen-2: "Benign"; Align-GVGD: "Not Available". The serine amino acid residue is found in multiple mammalian species, which suggests that this missense change does not adversely affect protein function. In summary, the available evidence is currently insufficient to determine the role of this variant in disease. Therefore, it has been classified as a Variant of Uncertain Significance.

NM_199355.4(ADAMTS18):c.2726A>G (p.Asn909Ser)

Gene: ADAMTS18 (ADAM metallopeptidase with thrombospondin type 1 motif 18; minus strand). Cytogenetic location: 16q23.1.
Variant type: single nucleotide variant.
Coding change: c.2726A>G on transcript NM_199355.4 (MANE Select); coding-DNA position 2726, A replaced by G.
Protein change: p.Asn909Ser; replaces asparagine 909 with serine.
Molecular consequence: missense variant.
Genome position (GRCh38, 1-based): chr16:77,297,364, T>C on the plus strand (A>G on the coding strand, the complement: ADAMTS18 is on the minus strand). VCF-style: chr16-77297364-T-C. GRCh37 (hg19) VCF-style: chr16-77331261-T-C.
Other names: c.2210A>G, p.Asn737Ser (NM_001326358.2); short protein forms N737S, N909S.
Identifiers: ClinVar variation 1384469 (VCV001384469.3), dbSNP rs368386469, ClinGen allele CA8180768.